The following is an entry in ClinVar:

NM_001292034.3(TAB2):c.958G>C (p.Gly320Arg)

Genes: TAB2 (TGF-beta activated kinase 1 (MAP3K7) binding protein 2; plus strand), LOC126859827 (BRD4-independent group 4 enhancer GRCh37_chr6:149699707-149700906; plus strand). Cytogenetic location: 6q25.1.
Variant type: single nucleotide variant.
Coding change: c.958G>C on transcript NM_001292034.3 (MANE Select); coding-DNA position 958, G replaced by C.
Protein change: p.Gly320Arg; replaces glycine 320 with arginine.
Molecular consequence: missense variant.
Genome position (GRCh38, 1-based): chr6:149,378,873, G>C. VCF-style: chr6-149378873-G-C. GRCh37 (hg19) VCF-style: chr6-149700009-G-C.
Other names: c.862G>C, p.Gly288Arg (NM_001292035.3); c.958G>C, p.Gly320Arg (NM_001369506.1, NM_015093.6); short protein forms G320R, G288R.
Identifiers: ClinVar variation 1932849 (VCV001932849.5), dbSNP rs2483391320, ClinGen allele CA365997658.

ClinVar aggregate classification (germline): Uncertain significance (1 of 4 stars; one submission).

Submission:

Labcorp Genetics (formerly Invitae), Labcorp
Classification: Uncertain significance. Last evaluated: 2022-05-30. Review status: criteria provided, single submitter. Criteria: Invitae Variant Classification Sherloc (09022015). Collection method: clinical testing. Allele origin: germline.
Comment: This sequence change replaces glycine, which is neutral and non-polar, with arginine, which is basic and polar, at codon 320 of the TAB2 protein (p.Gly320Arg). This variant is not present in population databases (gnomAD no frequency). This variant has not been reported in the literature in individuals affected with TAB2-related conditions. Algorithms developed to predict the effect of missense changes on protein structure and function (SIFT, PolyPhen-2, Align-GVGD) all suggest that this variant is likely to be disruptive. In summary, the available evidence is currently insufficient to determine the role of this variant in disease. Therefore, it has been classified as a Variant of Uncertain Significance.